The following is an entry in ClinVar:

NM_001458.5(FLNC):c.1411G>A (p.Ala471Thr)

Gene: FLNC (filamin C; plus strand). Cytogenetic location: 7q32.1.
Variant type: single nucleotide variant.
Coding change: c.1411G>A on transcript NM_001458.5 (MANE Select); coding-DNA position 1411, G replaced by A.
Protein change: p.Ala471Thr; replaces alanine 471 with threonine.
Molecular consequence: missense variant.
Genome position (GRCh38, 1-based): chr7:128,838,803, G>A. VCF-style: chr7-128838803-G-A. GRCh37 (hg19) VCF-style: chr7-128478857-G-A.
Other names: c.1411G>A, p.Ala471Thr (NM_001127487.2); short protein forms A471T.
Identifiers: ClinVar variation 2071000 (VCV002071000.4), dbSNP rs2536622512, ClinGen allele CA369225288.

ClinVar aggregate classification (germline): Uncertain significance (1 of 4 stars; one submission).

Conditions:
Myofibrillar myopathy 5. Also called: Filaminopathy (type); FILAMINOPATHY, AUTOSOMAL DOMINANT. Identifiers: Orphanet 171445, MedGen C1836050, MONDO:0012289, OMIM 609524.
Distal myopathy with posterior leg and anterior hand involvement. Also called: WILLIAMS DISTAL MYOPATHY. Identifiers: Orphanet 63273, MedGen C3279722, MONDO:0013550, OMIM 614065.
Hypertrophic cardiomyopathy 26. Also called: Cardiomyopathy, familial hypertrophic, 26. Identifiers: Orphanet 75249, MedGen C4310749, MONDO:0014883, OMIM 617047.

Submission:

Labcorp Genetics (formerly Invitae), Labcorp
Classification: Uncertain significance for Distal myopathy with posterior leg and anterior hand involvement; Myofibrillar myopathy 5; Hypertrophic cardiomyopathy 26. Last evaluated: 2022-01-02. Review status: criteria provided, single submitter. Criteria: Invitae Variant Classification Sherloc (09022015). Collection method: clinical testing. Allele origin: germline.
Comment: Algorithms developed to predict the effect of missense changes on protein structure and function (SIFT, PolyPhen-2, Align-GVGD) all suggest that this variant is likely to be tolerated. Variants that disrupt the consensus splice site are a relatively common cause of aberrant splicing (PMID: 17576681, 9536098). Algorithms developed to predict the effect of sequence changes on RNA splicing suggest that this variant may disrupt the consensus splice site. In summary, the available evidence is currently insufficient to determine the role of this variant in disease. Therefore, it has been classified as a Variant of Uncertain Significance. This variant has not been reported in the literature in individuals affected with FLNC-related conditions. This sequence change replaces alanine, which is neutral and non-polar, with threonine, which is neutral and polar, at codon 471 of the FLNC protein (p.Ala471Thr). This variant also falls at the last nucleotide of exon 8, which is part of the consensus splice site for this exon. This variant is not present in population databases (gnomAD no frequency).

Literature cited by the submitters: PubMed 17576681; PubMed 9536098.